The following is an entry in ClinVar:

ClinVar aggregate classification (germline): Pathogenic (1 of 4 stars; one submission).

Submission:

Athena Diagnostics
Classification: Pathogenic. Last evaluated: 2025-07-30. Review status: criteria provided, single submitter. Criteria: Athena Diagnostics Criteria. Collection method: clinical testing. Allele origin: unknown.
Comment: This variant is likely inserted in tandem within the DMD gene (PMID: 25640679) and, if so, would severely disrupt protein function. Similar duplications of exon 45 have not been reported in large, multi-ethnic general populations (Genome Aggregation Database (gnomAD), Cambridge, MA (URL)). Similar duplications of exon 45 have been reported in individuals with Duchenne muscular dystrophy (DMD) or where the type of dystrophinopathy was not specified.

Literature cited by the submitters: PubMed 17259292; PubMed 19937601; PubMed 36361501; PubMed 32358784; PubMed 29973226; PubMed 21515508; PubMed 25751470; PubMed 27206868; PubMed 31705731; PubMed 31139960; PubMed 25761239; PubMed 28116794; PubMed 28610567; PubMed 15655674; PubMed 23438214; PubMed 17561468; PubMed 16834926.

Single allele

Gene: DMD (dystrophin; minus strand). Cytogenetic location: Xp21.1.
Variant type: Duplication.
Identifiers: ClinVar variation 4682487 (VCV004682487.1).